The following is an entry in ClinVar:

ClinVar aggregate classification (germline): Uncertain significance (1 of 4 stars; one submission).

Conditions:
Glycogen storage disease type III (GSD3). Also called: Cori disease; FORBES DISEASE. Identifiers: Orphanet 366, MedGen C0017922, MONDO:0009291, OMIM 232400.

Allele frequency attached by ClinVar (database versions not stated): gnomAD exomes below 0.00001.
gnomAD v4.1: 1 of 1,614,138 alleles (0.000062%); highest among the groups gnomAD compares: Non-Finnish European, 0.000085%; no homozygotes.

Submission:

Labcorp Genetics (formerly Invitae), Labcorp
Classification: Uncertain significance for Glycogen storage disease type III. Last evaluated: 2020-10-06. Review status: criteria provided, single submitter. Criteria: Invitae Variant Classification Sherloc (09022015). Collection method: clinical testing. Allele origin: germline.
Comment: This sequence change replaces histidine with tyrosine at codon 412 of the AGL protein (p.His412Tyr). The histidine residue is moderately conserved and there is a moderate physicochemical difference between histidine and tyrosine. This variant is not present in population databases (ExAC no frequency). This variant has not been reported in the literature in individuals with AGL-related conditions. Algorithms developed to predict the effect of missense changes on protein structure and function (SIFT, PolyPhen-2, Align-GVGD) all suggest that this variant is likely to be tolerated, but these predictions have not been confirmed by published functional studies and their clinical significance is uncertain. In summary, the available evidence is currently insufficient to determine the role of this variant in disease. Therefore, it has been classified as a Variant of Uncertain Significance.

NM_000642.3(AGL):c.1234C>T (p.His412Tyr)

Gene: AGL (amylo-alpha-1,6-glucosidase and 4-alpha-glucanotransferase; plus strand). Cytogenetic location: 1p21.2.
Variant type: single nucleotide variant.
Coding change: c.1234C>T on transcript NM_000642.3 (MANE Select); coding-DNA position 1234, C replaced by T.
Protein change: p.His412Tyr; replaces histidine 412 with tyrosine.
Molecular consequence: missense variant.
Genome position (GRCh38, 1-based): chr1:99,875,406, C>T. VCF-style: chr1-99875406-C-T. GRCh37 (hg19) VCF-style: chr1-100340962-C-T.
Other names: c.1234C>T, p.His412Tyr (NM_000028.3, NM_000643.3, NM_000644.3 and 2 more transcripts); c.1186C>T, p.His396Tyr (NM_000646.3); c.1030C>T, p.His344Tyr (NM_001425328.1, NM_001425329.1); c.856C>T, p.His286Tyr (NM_001425332.1); short protein forms H396Y, H412Y, H286Y, H344Y.
Identifiers: ClinVar variation 1010954 (VCV001010954.9), dbSNP rs1651438326, ClinGen allele CA341345456.